The following is an entry in ClinVar:

ClinVar aggregate classification (germline): Uncertain significance (1 of 4 stars; one submission).

Conditions:
Nemaline myopathy 9 (NEM9). Identifiers: MedGen C3810384, MONDO:0014326, OMIM 615731.

Submission:

Labcorp Genetics (formerly Invitae), Labcorp
Classification: Uncertain significance for Nemaline myopathy 9. Last evaluated: 2020-10-08. Review status: criteria provided, single submitter. Criteria: Invitae Variant Classification Sherloc (09022015). Collection method: clinical testing. Allele origin: germline.
Comment: This variant is not present in population databases (ExAC no frequency). This sequence change replaces asparagine with lysine at codon 269 of the KLHL41 protein (p.Asn269Lys). The asparagine residue is moderately conserved and there is a moderate physicochemical difference between asparagine and lysine. This variant has not been reported in the literature in individuals with KLHL41-related conditions. In summary, the available evidence is currently insufficient to determine the role of this variant in disease. Therefore, it has been classified as a Variant of Uncertain Significance. Algorithms developed to predict the effect of missense changes on protein structure and function (SIFT, PolyPhen-2, Align-GVGD) all suggest that this variant is likely to be tolerated, but these predictions have not been confirmed by published functional studies and their clinical significance is uncertain.

NM_006063.3(KLHL41):c.807T>A (p.Asn269Lys)

Gene: KLHL41 (kelch like family member 41; plus strand). Cytogenetic location: 2q31.1.
Variant type: single nucleotide variant.
Coding change: c.807T>A on transcript NM_006063.3 (MANE Select); coding-DNA position 807, T replaced by A.
Protein change: p.Asn269Lys; replaces asparagine 269 with lysine.
Molecular consequence: missense variant.
Genome position (GRCh38, 1-based): chr2:169,510,585, T>A. VCF-style: chr2-169510585-T-A. GRCh37 (hg19) VCF-style: chr2-170367095-T-A.
Other names: short protein forms N269K.
Identifiers: ClinVar variation 1041402 (VCV001041402.8), dbSNP rs1684016282, ClinGen allele CA349176447.